The following is an entry in ClinVar:

ClinVar aggregate classification (germline): Uncertain significance (1 of 4 stars; one submission).

Conditions:
Beckwith-Wiedemann syndrome (BWS). Also called: Exomphalos macroglossia gigantism syndrome; EMG SYNDROME. Identifiers: Orphanet 116, MedGen C0004903, MONDO:0007534, OMIM 130650.

Submission:

Labcorp Genetics (formerly Invitae), Labcorp
Classification: Uncertain significance for Beckwith-Wiedemann syndrome. Last evaluated: 2023-03-26. Review status: criteria provided, single submitter. Criteria: Invitae Variant Classification Sherloc (09022015). Collection method: clinical testing. Allele origin: germline.
Comment: This sequence change replaces proline, which is neutral and non-polar, with arginine, which is basic and polar, at codon 296 of the CDKN1C protein (p.Pro296Arg). This variant is not present in population databases (gnomAD no frequency). This variant has not been reported in the literature in individuals affected with CDKN1C-related conditions. Advanced modeling of protein sequence and biophysical properties (such as structural, functional, and spatial information, amino acid conservation, physicochemical variation, residue mobility, and thermodynamic stability) performed at Invitae indicates that this missense variant is not expected to disrupt CDKN1C protein function. In summary, the available evidence is currently insufficient to determine the role of this variant in disease. Therefore, it has been classified as a Variant of Uncertain Significance.

NM_001122630.2(CDKN1C):c.854C>G (p.Pro285Arg)

Gene: CDKN1C (cyclin dependent kinase inhibitor 1C; minus strand). Cytogenetic location: 11p15.4.
Variant type: single nucleotide variant.
Coding change: c.854C>G on transcript NM_001122630.2 (MANE Select); coding-DNA position 854, C replaced by G.
Protein change: p.Pro285Arg; replaces proline 285 with arginine.
Molecular consequence: missense variant.
Genome position (GRCh38, 1-based): chr11:2,884,068, G>C on the plus strand (C>G on the coding strand, the complement: CDKN1C is on the minus strand). VCF-style: chr11-2884068-G-C. GRCh37 (hg19) VCF-style: chr11-2905298-G-C.
Other names: c.887C>G, p.Pro296Arg (NM_000076.2, NM_001362474.2); c.854C>G, p.Pro285Arg (NM_001122631.2); c.322C>G, p.Pro108Ala (NM_001362475.2); short protein forms P108A, P296R, P285R.
Identifiers: ClinVar variation 2849628 (VCV002849628.3), dbSNP rs2494379825, ClinGen allele CA379144883.
Genomic context (GRCh38, chr11:2,884,068, plus strand): 5'-CGCAGCCTCTTGCGCGGGGTCTGCTCCACCGAGCCCACGCCAGGGGCGGCGCTTGGAGAG[G>C]GACACGGCGCGGGGACATCGCCCGACGACTTCTCAGGCGCTGATCTCTTGCGCTTGGCGA-3'
Protein context (NP_001116102.1, residues 275-295): KSSGDVPAPC[Pro285Arg]SPSAAPGVGS